The following is an entry in ClinVar:

ClinVar aggregate classification (germline): Uncertain significance. Review status: criteria provided, multiple submitters, no conflicts (2 of 4 stars). 2 submissions from 2 submitters: Uncertain significance (2). Last evaluated 2023-05-22.

Conditions:
Inborn genetic diseases. Identifiers: MedGen C0950123, MeSH D030342.

Allele frequency attached by ClinVar (database versions not stated): ExAC 0.00002; gnomAD exomes 0.00002.
gnomAD v4.1: 11 of 1,614,144 alleles (0.00068%); highest among the groups gnomAD compares: South Asian, 0.011%; no homozygotes.

Submissions (2):

Ambry Genetics
Classification: Uncertain significance for Inborn genetic diseases. Last evaluated: 2023-05-22. Review status: criteria provided, single submitter. Criteria: Ambry Variant Classification Scheme 2023. Collection method: clinical testing. Allele origin: germline.

Labcorp Genetics (formerly Invitae), Labcorp
Classification: Uncertain significance. Last evaluated: 2021-11-12. Review status: criteria provided, single submitter. Criteria: Invitae Variant Classification Sherloc (09022015). Collection method: clinical testing. Allele origin: germline.
Comment: This variant has not been reported in the literature in individuals affected with ARMC9-related conditions. This sequence change replaces glycine, which is neutral and non-polar, with valine, which is neutral and non-polar, at codon 501 of the ARMC9 protein (p.Gly501Val). This variant is present in population databases (rs777000520, gnomAD 0.01%). In summary, the available evidence is currently insufficient to determine the role of this variant in disease. Therefore, it has been classified as a Variant of Uncertain Significance.

NM_001352754.2(ARMC9):c.1502G>T (p.Gly501Val)

Gene: ARMC9 (armadillo repeat containing 9; plus strand). Cytogenetic location: 2q37.1.
Variant type: single nucleotide variant.
Coding change: c.1502G>T on transcript NM_001352754.2 (MANE Select); coding-DNA position 1502, G replaced by T.
Protein change: p.Gly501Val; replaces glycine 501 with valine.
Molecular consequence: missense variant. On other transcripts: non-coding transcript variant (1).
Genome position (GRCh38, 1-based): chr2:231,278,409, G>T. VCF-style: chr2-231278409-G-T. GRCh37 (hg19) VCF-style: chr2-232143122-G-T.
Other names: c.1502G>T (NM_025139.3); c.1502G>T, p.Gly501Val (NM_001271466.4, NM_001291656.2, NM_001352755.2 and 3 more transcripts); c.1403G>T, p.Gly468Val (NM_001352757.2, NM_001352758.2); short protein forms G468V, G501V.
Identifiers: ClinVar variation 1519834 (VCV001519834.7), dbSNP rs777000520, ClinGen allele CA2160357.
Genomic context (GRCh38, chr2:231,278,409, plus strand): 5'-ATGTCATGTTTAGCTTTGATTTGTTTCCCATAGGGAAGAACATGTGTGCCAAGGTGGCAG[G>T]CCTCGTGCTCAAAGTCCTTTCGGATCTTCTTGGCCATGAAAACCATGAGGTACTCATTCA-3'
Protein context (NP_001339683.2, residues 491-511): TGKNMCAKVA[Gly501Val]LVLKVLSDLL